The following is an entry in ClinVar:

NM_016169.4(SUFU):c.72G>A (p.Pro24=)

Genes: SUFU (SUFU negative regulator of hedgehog signaling; plus strand), LOC130004614 (ATAC-STARR-seq lymphoblastoid silent region 2764; plus strand). Cytogenetic location: 10q24.32.
Variant type: single nucleotide variant.
Coding change: c.72G>A on transcript NM_016169.4 (MANE Select); coding-DNA position 72, G replaced by A.
Protein change: p.Pro24=; no amino-acid change (proline 24 retained).
Molecular consequence: synonymous variant.
Genome position (GRCh38, 1-based): chr10:102,504,224, G>A. VCF-style: chr10-102504224-G-A. GRCh37 (hg19) VCF-style: chr10-104263981-G-A.
Other names: c.72G>A, p.Pro24= (NM_001178133.2).
Identifiers: ClinVar variation 839740 (VCV000839740.14), dbSNP rs1322344970, ClinGen allele CA471304831.

ClinVar aggregate classification (germline): Likely benign. Review status: criteria provided, multiple submitters, no conflicts (2 of 4 stars). 3 submissions from 3 submitters: Likely benign (3). Last evaluated 2026-04-01.

Conditions:
Hereditary cancer-predisposing syndrome. Also called: Hereditary Cancer Syndrome; Neoplastic Syndromes, Hereditary; Tumor predisposition; Hereditary neoplastic syndrome. Identifiers: Orphanet 140162, MedGen C0027672, MeSH D009386, MONDO:0015356.
Gorlin syndrome. Also called: Basal cell nevus syndrome; Nevoid Basal Cell Carcinoma Syndrome. Identifiers: Orphanet 377, MedGen C0004779, MONDO:0007187.
Medulloblastoma (MDB). Also called: Medulloblastoma, somatic; MEDULLOBLASTOMA PREDISPOSITION SYNDROME. Identifiers: Orphanet 616, MedGen C0025149, MeSH D008527, MONDO:0007959, OMIM 155255, HP:0002885.

Allele frequency attached by ClinVar (database versions not stated): gnomAD exomes below 0.00001.
gnomAD v4.1: 1 of 1,230,350 alleles (0.000081%); highest among the groups gnomAD compares: Admixed American, 0.0021%; no homozygotes.

Submissions (3):

CeGaT Center for Human Genetics Tuebingen
Classification: Likely benign. Last evaluated: 2026-04-01. Review status: criteria provided, single submitter. Criteria: CeGaT Center For Human Genetics Tuebingen Variant Classification Criteria Version 2. Collection method: clinical testing. Allele origin: germline. Affected: yes. Observed: 1 variant allele.
Comment: SUFU: BP4, BP7

Labcorp Genetics (formerly Invitae), Labcorp
Classification: Likely benign for Gorlin syndrome; Medulloblastoma. Last evaluated: 2022-11-28. Review status: criteria provided, single submitter. Criteria: Invitae Variant Classification Sherloc (09022015). Collection method: clinical testing. Allele origin: germline.

Ambry Genetics
Classification: Likely benign for Hereditary cancer-predisposing syndrome. Last evaluated: 2019-10-28. Review status: criteria provided, single submitter. Criteria: Ambry Variant Classification Scheme 2023. Collection method: clinical testing. Allele origin: germline.